The following is an entry in ClinVar:

ClinVar aggregate classification (germline): Uncertain significance (1 of 4 stars; one submission).

gnomAD v4.1: 3 of 1,572,200 alleles (0.00019%); highest among the groups gnomAD compares: Non-Finnish European, 0.00026%; no homozygotes.

Submission:

Labcorp Genetics (formerly Invitae), Labcorp
Classification: Uncertain significance. Last evaluated: 2024-08-06. Review status: criteria provided, single submitter. Criteria: Invitae Variant Classification Sherloc (09022015). Collection method: clinical testing. Allele origin: germline.
Comment: This sequence change replaces arginine, which is basic and polar, with leucine, which is neutral and non-polar, at codon 83 of the MYO7A protein (p.Arg83Leu). This variant is not present in population databases (gnomAD no frequency). This variant has not been reported in the literature in individuals affected with MYO7A-related conditions. Advanced modeling of protein sequence and biophysical properties (such as structural, functional, and spatial information, amino acid conservation, physicochemical variation, residue mobility, and thermodynamic stability) has been performed at Invitae for this missense variant, however the output from this modeling did not meet the statistical confidence thresholds required to predict the impact of this variant on MYO7A protein function. In summary, the available evidence is currently insufficient to determine the role of this variant in disease. Therefore, it has been classified as a Variant of Uncertain Significance.

NM_000260.4(MYO7A):c.248G>T (p.Arg83Leu)

Gene: MYO7A (myosin VIIA; plus strand). Cytogenetic location: 11q13.5.
Variant type: single nucleotide variant.
Coding change: c.248G>T on transcript NM_000260.4 (MANE Select); coding-DNA position 248, G replaced by T.
Protein change: p.Arg83Leu; replaces arginine 83 with leucine.
Molecular consequence: missense variant.
Genome position (GRCh38, 1-based): chr11:77,147,913, G>T. VCF-style: chr11-77147913-G-T. GRCh37 (hg19) VCF-style: chr11-76858959-G-T.
Other names: c.248G>T, p.Arg83Leu (NM_001127180.2); c.215G>T, p.Arg72Leu (NM_001369365.1); short protein forms R83L, R72L.
Identifiers: ClinVar variation 3698739 (VCV003698739.2).